The following is an entry in ClinVar:

NM_001130823.3(DNMT1):c.571C>G (p.Pro191Ala)

Gene: DNMT1 (DNA methyltransferase 1; minus strand). Cytogenetic location: 19p13.2.
Variant type: single nucleotide variant.
Coding change: c.571C>G on transcript NM_001130823.3 (MANE Select); coding-DNA position 571, C replaced by G.
Protein change: p.Pro191Ala; replaces proline 191 with alanine.
Molecular consequence: missense variant.
Genome position (GRCh38, 1-based): chr19:10,175,617, G>C on the plus strand (C>G on the coding strand, the complement: DNMT1 is on the minus strand). VCF-style: chr19-10175617-G-C. GRCh37 (hg19) VCF-style: chr19-10286293-G-C.
Other names: c.523C>G, p.Pro175Ala (NM_001379.4, NM_001318730.2); c.208C>G, p.Pro70Ala (NM_001318731.2); short protein forms P175A, P70A, P191A.
Identifiers: ClinVar variation 2830081 (VCV002830081.3), dbSNP rs2513878966, ClinGen allele CA403944455.

ClinVar aggregate classification (germline): Uncertain significance (1 of 4 stars; one submission).

Conditions:
Hereditary sensory neuropathy-deafness-dementia syndrome. Also called: NEUROPATHY, HEREDITARY SENSORY, WITH HEARING LOSS AND DEMENTIA; Hereditary sensory neuropathy type IE; Hereditary Sensory and Autonomic Neuropathy Type 1E (HSAN1E); HSN IE. Identifiers: Orphanet 456318, MedGen C3279885, MONDO:0013584, OMIM 614116.

Submission:

Labcorp Genetics (formerly Invitae), Labcorp
Classification: Uncertain significance for Hereditary sensory neuropathy-deafness-dementia syndrome. Last evaluated: 2023-01-19. Review status: criteria provided, single submitter. Criteria: Invitae Variant Classification Sherloc (09022015). Collection method: clinical testing. Allele origin: germline.
Comment: This variant has not been reported in the literature in individuals affected with DNMT1-related conditions. This sequence change replaces proline, which is neutral and non-polar, with alanine, which is neutral and non-polar, at codon 191 of the DNMT1 protein (p.Pro191Ala). This variant is not present in population databases (gnomAD no frequency). Algorithms developed to predict the effect of missense changes on protein structure and function are either unavailable or do not agree on the potential impact of this missense change (SIFT: "Tolerated"; PolyPhen-2: "Probably Damaging"; Align-GVGD: "Class C0"). In summary, the available evidence is currently insufficient to determine the role of this variant in disease. Therefore, it has been classified as a Variant of Uncertain Significance.